The following is an entry in ClinVar:

ClinVar aggregate classification (germline): Conflicting classifications of pathogenicity. Review status: criteria provided, conflicting classifications (1 of 4 stars). 2 submissions from 2 submitters: Uncertain significance (1); Likely benign (1). Last evaluated 2025-07-29.

Conditions:
TNC-related disorder. Also called: TNC-related condition.

gnomAD v4.1: 84 of 1,614,198 alleles (0.0052%); highest among the groups gnomAD compares: Admixed American, 0.033%; no homozygotes.

Submissions (2):

PreventionGenetics, part of Exact Sciences
Classification: Likely benign for TNC-related condition. Last evaluated: 2025-07-29. Review status: criteria provided, single submitter. Criteria: ACMG Guidelines, 2015. Collection method: clinical testing. Allele origin: germline.
Comment: This variant is classified as likely benign based on ACMG/AMP sequence variant interpretation guidelines (Richards et al. 2015 PMID: 25741868, with internal and published modifications).

Ambry Genetics
Classification: Uncertain significance. Last evaluated: 2025-07-15. Review status: criteria provided, single submitter. Criteria: Ambry Variant Classification Scheme 2023. Collection method: clinical testing. Allele origin: germline.

NM_002160.4(TNC):c.1981G>A (p.Glu661Lys)

Gene: TNC (tenascin C; minus strand). Cytogenetic location: 9q33.1.
Variant type: single nucleotide variant.
Coding change: c.1981G>A on transcript NM_002160.4 (MANE Select); coding-DNA position 1981, G replaced by A.
Protein change: p.Glu661Lys; replaces glutamic acid 661 with lysine.
Molecular consequence: missense variant.
Genome position (GRCh38, 1-based): chr9:115,084,359, C>T on the plus strand (G>A on the coding strand, the complement: TNC is on the minus strand). VCF-style: chr9-115084359-C-T. GRCh37 (hg19) VCF-style: chr9-117846638-C-T.
Other names: c.1981G>A, p.Glu661Lys (NM_001410991.1, NM_001439065.1, NM_001439066.1 and 35 more transcripts); short protein forms E661K.
Identifiers: ClinVar variation 4187736 (VCV004187736.2).